The following is an entry in ClinVar:

ClinVar aggregate classification (germline): Uncertain significance. Review status: criteria provided, multiple submitters, no conflicts (2 of 4 stars). 2 submissions from 2 submitters: Uncertain significance (2). Last evaluated 2023-12-05.

Conditions:
Hereditary nonpolyposis colorectal neoplasms. Identifiers: MedGen C0009405, MeSH D003123.
Hereditary cancer-predisposing syndrome. Also called: Neoplastic Syndromes, Hereditary; Tumor predisposition; Hereditary Cancer Syndrome; Hereditary neoplastic syndrome. Identifiers: Orphanet 140162, MedGen C0027672, MeSH D009386, MONDO:0015356.

Allele frequency attached by ClinVar (database versions not stated): gnomAD exomes below 0.00001.
gnomAD v4.1: 1 of 1,614,170 alleles (0.000062%); highest among the groups gnomAD compares: Non-Finnish European, 0.000085%; no homozygotes.

Submissions (2):

Color Diagnostics, LLC DBA Color Health
Classification: Uncertain significance for Hereditary cancer-predisposing syndrome. Last evaluated: 2023-12-05. Review status: criteria provided, single submitter. Criteria: ACMG Guidelines, 2015. Collection method: clinical testing. Allele origin: germline.
Comment: This missense variant replaces isoleucine with valine at codon 416 of the MSH6 protein. Computational prediction suggests that this variant may not impact protein structure and function (internally defined REVEL score threshold <= 0.5, PMID: 27666373). To our knowledge, functional studies have not been reported for this variant. This variant has not been reported in individuals affected with MSH6-related disorders in the literature. This variant has not been identified in the general population by the Genome Aggregation Database (gnomAD). The available evidence is insufficient to determine the role of this variant in disease conclusively. Therefore, this variant is classified as a Variant of Uncertain Significance.

Labcorp Genetics (formerly Invitae), Labcorp
Classification: Uncertain significance for Hereditary nonpolyposis colorectal neoplasms. Last evaluated: 2022-10-10. Review status: criteria provided, single submitter. Criteria: Invitae Variant Classification Sherloc (09022015). Collection method: clinical testing. Allele origin: germline.
Comment: This sequence change replaces isoleucine, which is neutral and non-polar, with valine, which is neutral and non-polar, at codon 416 of the MSH6 protein (p.Ile416Val). This variant is not present in population databases (gnomAD no frequency). This variant has not been reported in the literature in individuals affected with MSH6-related conditions. ClinVar contains an entry for this variant (Variation ID: 923873). In summary, the available evidence is currently insufficient to determine the role of this variant in disease. Therefore, it has been classified as a Variant of Uncertain Significance. Advanced modeling of protein sequence and biophysical properties (such as structural, functional, and spatial information, amino acid conservation, physicochemical variation, residue mobility, and thermodynamic stability) performed at Invitae indicates that this missense variant is not expected to disrupt MSH6 protein function.

NM_000179.3(MSH6):c.1246A>G (p.Ile416Val)

Gene: MSH6 (mutS homolog 6; plus strand). Cytogenetic location: 2p16.3.
Variant type: single nucleotide variant.
Coding change: c.1246A>G on transcript NM_000179.3 (MANE Select); coding-DNA position 1246, A replaced by G.
Protein change: p.Ile416Val; replaces isoleucine 416 with valine.
Molecular consequence: missense variant.
Genome position (GRCh38, 1-based): chr2:47,799,229, A>G. VCF-style: chr2-47799229-A-G. GRCh37 (hg19) VCF-style: chr2-48026368-A-G.
Other names: c.856A>G, p.Ile286Val (NM_001281492.2); c.340A>G, p.Ile114Val (NM_001281493.2, NM_001281494.2); short protein forms I416V, I114V, I286V.
Identifiers: ClinVar variation 923873 (VCV000923873.10), dbSNP rs1669311750, ClinGen allele CA346743800.